The following is an entry in ClinVar:

NM_201384.3(PLEC):c.8054G>A (p.Arg2685Gln)

Gene: PLEC (plectin; minus strand). Cytogenetic location: 8q24.3.
Variant type: single nucleotide variant.
Coding change: c.8054G>A on transcript NM_201384.3 (MANE Select); coding-DNA position 8054, G replaced by A.
Protein change: p.Arg2685Gln; replaces arginine 2685 with glutamine.
Molecular consequence: missense variant.
Genome position (GRCh38, 1-based): chr8:143,921,767, C>T on the plus strand (G>A on the coding strand, the complement: PLEC is on the minus strand). VCF-style: chr8-143921767-C-T. GRCh37 (hg19) VCF-style: chr8-144995935-C-T.
Other names: c.8135G>A, p.Arg2712Gln (NM_000445.5); c.8012G>A, p.Arg2671Gln (NM_201378.4); c.7988G>A, p.Arg2663Gln (NM_201379.3); c.8465G>A, p.Arg2822Gln (NM_201380.4); c.7958G>A, p.Arg2653Gln (NM_201381.3); c.8054G>A, p.Arg2685Gln (NM_201382.4); c.8066G>A, p.Arg2689Gln (NM_201383.3); c.8135G>A (NM_000445.3); short protein forms R2663Q, R2689Q, R2822Q, R2653Q, R2685Q, R2712Q, R2671Q.
Identifiers: ClinVar variation 1513688 (VCV001513688.7), dbSNP rs200892962, ClinGen allele CA4925437.

ClinVar aggregate classification (germline): Uncertain significance. Review status: criteria provided, multiple submitters, no conflicts (2 of 4 stars). 2 submissions from 2 submitters: Uncertain significance (2). Last evaluated 2025-03-22.

Conditions:
Inborn genetic diseases. Identifiers: MedGen C0950123, MeSH D030342.
Autosomal recessive limb-girdle muscular dystrophy type 2Q (LGMDR17). Also called: MUSCULAR DYSTROPHY, LIMB-GIRDLE, AUTOSOMAL RECESSIVE 17. Identifiers: Orphanet 254361, MedGen C3150989, MONDO:0013390, OMIM 613723.
Epidermolysis bullosa simplex, Ogna type (EBS5A). Also called: Pidermolysis bullosa simplex 5A, Ogna type; EPIDERMOLYSIS BULLOSA SIMPLEX 5A, OGNA TYPE. Identifiers: Orphanet 79401, MedGen C0432317, MONDO:0007555, OMIM 131950.
Epidermolysis bullosa simplex 5B, with muscular dystrophy (EBS5B). Also called: EPIDERMOLYSIS BULLOSA SIMPLEX AND LIMB-GIRDLE MUSCULAR DYSTROPHY; Epidermolysis bullosa simplex with muscular dystrophy. Identifiers: Orphanet 257, MedGen C2931072, MONDO:0009181, OMIM 226670.
Epidermolysis bullosa simplex 5C, with pyloric atresia (EBS5C). Also called: Epidermolysis bullosa simplex with pyloric atresia; PLEC-Related Epidermolysis Bullosa with Pyloric Atresia; PLEC1-Related Epidermolysis Bullosa with Pyloric Atresia. Identifiers: Orphanet 158684, MedGen C2677349, MONDO:0012807, OMIM 612138.
Epidermolysis bullosa simplex with nail dystrophy (EBS5D). Identifiers: MedGen C4225309, MONDO:0014661, OMIM 616487.

Allele frequency attached by ClinVar (database versions not stated): gnomAD 0.00001 and 0.00003; TOPMed 0.00002; gnomAD exomes 0.00005 and 0.00009; ExAC 0.00009; 1000 Genomes Project 0.00060; 1000 Genomes Project 30x 0.00062.
gnomAD v4.1: 72 of 1,612,092 alleles (0.0045%); highest among the groups gnomAD compares: South Asian, 0.043%; no homozygotes.

Submissions (2):

Labcorp Genetics (formerly Invitae), Labcorp
Classification: Uncertain significance for Autosomal recessive limb-girdle muscular dystrophy type 2Q; Epidermolysis bullosa simplex, Ogna type; Epidermolysis bullosa simplex with nail dystrophy; Epidermolysis bullosa simplex 5C, with pyloric atresia; Epidermolysis bullosa simplex 5B, with muscular dystrophy. Last evaluated: 2025-03-22. Review status: criteria provided, single submitter. Criteria: Invitae Variant Classification Sherloc (09022015). Collection method: clinical testing. Allele origin: germline.
Comment: This sequence change replaces arginine, which is basic and polar, with glutamine, which is neutral and polar, at codon 2712 of the PLEC protein (p.Arg2712Gln). This variant is present in population databases (rs200892962, gnomAD 0.06%). This variant has not been reported in the literature in individuals affected with PLEC-related conditions. ClinVar contains an entry for this variant (Variation ID: 1513688). An algorithm developed to predict the effect of missense changes on protein structure and function (PolyPhen-2) suggests that this variant is likely to be tolerated. In summary, the available evidence is currently insufficient to determine the role of this variant in disease. Therefore, it has been classified as a Variant of Uncertain Significance.

Ambry Genetics
Classification: Uncertain significance for Inborn genetic diseases. Last evaluated: 2022-01-27. Review status: criteria provided, single submitter. Criteria: Ambry Variant Classification Scheme 2023. Collection method: clinical testing. Allele origin: germline.